The following is an entry in ClinVar:

NM_015466.4(PTPN23):c.2411_2418del (p.Gln804fs)

Gene: PTPN23 (protein tyrosine phosphatase non-receptor type 23; plus strand). Cytogenetic location: 3p21.31.
Variant type: Deletion.
Coding change: c.2411_2418del on transcript NM_015466.4 (MANE Select); coding-DNA positions 2411 to 2418, 8 bases deleted (AGCCCAGG; older notation c.2411_2418delAGCCCAGG).
Protein change: p.Gln804fs; shifts the reading frame from glutamine 804.
Molecular consequence: frameshift variant.
Genome position (GRCh38, 1-based): chr3:47,410,209-47,410,216, AGCCCAGG deleted. VCF-style (leftmost placement, unchanged base first): chr3-47410208-CAGCCCAGG-C. GRCh37 (hg19) VCF-style: chr3-47451698-CAGCCCAGG-C.
Other names: c.2033_2040del, p.Gln678fs (NM_001304482.2); short protein forms Q804fs, Q678fs.
Identifiers: ClinVar variation 2006638 (VCV002006638.4), dbSNP rs2546249724, ClinGen allele CA2580069901.
Genomic context (GRCh38, chr3:47,410,208, plus strand): 5'-CCCCACTATCTCTCAGGCCCCTTGCCCCCTGGTACCTACTCGGGCCCCACCCAGCTGATA[CAGCCCAGG>C]GCCCCAGGGCCCCATGCAATGCCCGTAGCACCTGGGCCTGCCCTCTACCCAGCCCCTGCC-3'

ClinVar aggregate classification (germline): Pathogenic (1 of 4 stars; one submission).

Submission:

Labcorp Genetics (formerly Invitae), Labcorp
Classification: Pathogenic. Last evaluated: 2025-10-01. Review status: criteria provided, single submitter. Criteria: Invitae Variant Classification Sherloc (09022015). Collection method: clinical testing. Allele origin: germline.
Comment: This sequence change creates a premature translational stop signal (p.Gln804Argfs*80) in the PTPN23 gene. It is expected to result in an absent or disrupted protein product. Loss-of-function variants in PTPN23 are known to be pathogenic (PMID: 29090338, 29899372). This variant is not present in population databases (gnomAD no frequency). This variant has not been reported in the literature in individuals affected with PTPN23-related conditions. ClinVar contains an entry for this variant (Variation ID: 2006638). For these reasons, this variant has been classified as Pathogenic.

Literature cited by the submitters: PubMed 29090338; PubMed 29899372.